The following is an entry in ClinVar:

ClinVar aggregate classification (germline): Likely pathogenic (1 of 4 stars; one submission).

Conditions:
Plasma factor XI deficiency.

Submission:

Natera, Inc.
Classification: Likely pathogenic for Plasma factor XI deficiency. Last evaluated: 2026-01-26. Review status: criteria provided, single submitter. Criteria: Natera Variant Classification Schema (03/2026). Collection method: clinical testing. Allele origin: germline.
Comment: The c.717del variant in F11 is a frameshift variant predicted to shift the reading frame beginning at codon 239 and leads to a stop codon 110 codons downstream. This variant is expected to result in nonsense mediated decay, truncation, or a dysfunctional protein product. This variant is rare in the general population with a frequency below the threshold expected for the associated phenotype(s). Given the available evidence, this variant is classified as Likely Pathogenic.

NM_000128.4(F11):c.717del (p.Phe239fs)

Gene: F11 (coagulation factor XI; plus strand). Cytogenetic location: 4q35.2.
Variant type: Deletion.
Coding change: c.717del on transcript NM_000128.4 (MANE Select); coding-DNA position 717, one base deleted (T; older notation c.717delT).
Protein change: p.Phe239fs; shifts the reading frame from phenylalanine 239.
Molecular consequence: frameshift variant.
Genome position (GRCh38, 1-based): chr4:186,276,352, T deleted; the last of 6 consecutive T bases (chr4:186,276,347-186,276,352); deleting any one gives the same sequence. VCF-style (leftmost placement, unchanged base first): chr4-186276346-GT-G. GRCh37 (hg19) VCF-style: chr4-187197500-GT-G.
Other names: c.717delT, p.Phe239Leufs (NM_000128.3); short protein forms F239fs.
Identifiers: ClinVar variation 4067821 (VCV004067821.2).